The following is an entry in ClinVar:

ClinVar aggregate classification (germline): Pathogenic. Review status: criteria provided, multiple submitters, no conflicts (2 of 4 stars). 3 submissions from 3 submitters: Pathogenic (3). Last evaluated 2025-09-22.

Conditions:
CNNM4-related disorder. Also called: CNNM4-related condition.

Allele frequency attached by ClinVar (database versions not stated): gnomAD exomes below 0.00001; gnomAD 0.00001; TOPMed 0.00001.
gnomAD v4.1: 12 of 1,614,040 alleles (0.00074%); highest among the groups gnomAD compares: African/African-American, 0.0013%; no homozygotes.

Submissions (3):

Labcorp Genetics (formerly Invitae), Labcorp
Classification: Pathogenic. Last evaluated: 2025-09-22. Review status: criteria provided, single submitter. Criteria: Invitae Variant Classification Sherloc (09022015). Collection method: clinical testing. Allele origin: germline.
Comment: This sequence change creates a premature translational stop signal (p.Arg605*) in the CNNM4 gene. It is expected to result in an absent or disrupted protein product. Loss-of-function variants in CNNM4 are known to be pathogenic (PMID: 19200525). This variant is present in population databases (no rsID available, gnomAD 0.003%). This premature translational stop signal has been observed in individual(s) with Jalili Syndrome (PMID: 19200525, 29322253). ClinVar contains an entry for this variant (Variation ID: 2084124). For these reasons, this variant has been classified as Pathogenic.

GeneDx
Classification: Pathogenic. Last evaluated: 2024-02-05. Review status: criteria provided, single submitter. Criteria: GeneDx Variant Classification Process June 2021. Collection method: clinical testing. Allele origin: germline. Affected: yes.
Comment: Nonsense variant predicted to result in protein truncation or nonsense mediated decay in a gene for which loss of function is a known mechanism of disease; This variant is associated with the following publications: (PMID: 25525159, 31630094, 19200525, 29322253)

Blueprint Genetics
Classification: Pathogenic for CNNM4-related disorders. Last evaluated: 2022-10-12. Review status: criteria provided, single submitter. Criteria: ACMG Guidelines, 2015. Collection method: clinical testing. Allele origin: germline. Affected: yes. Observed: 3 variant alleles.

Literature cited by the submitters: PubMed 19200525 (cited by Labcorp Genetics (formerly Invitae), Labcorp); PubMed 29322253 (cited by Labcorp Genetics (formerly Invitae), Labcorp).

NM_020184.4(CNNM4):c.1813C>T (p.Arg605Ter)

Gene: CNNM4 (cyclin and CBS domain divalent metal cation transport mediator 4; plus strand). Cytogenetic location: 2q11.2.
Variant type: single nucleotide variant.
Coding change: c.1813C>T on transcript NM_020184.4 (MANE Select); coding-DNA position 1813, C replaced by T.
Protein change: p.Arg605Ter; replaces arginine 605 with a stop codon.
Molecular consequence: nonsense.
Genome position (GRCh38, 1-based): chr2:96,799,188, C>T. VCF-style: chr2-96799188-C-T. GRCh37 (hg19) VCF-style: chr2-97464925-C-T.
Other names: c.1813C>T (NM_020184.3); short protein forms R605*.
Identifiers: ClinVar variation 2084124 (VCV002084124.6), dbSNP rs1021713187, ClinGen allele CA52453136.